The following is an entry in ClinVar:

ClinVar aggregate classification (germline): Benign/Likely benign. Review status: criteria provided, multiple submitters, no conflicts (2 of 4 stars). 5 submissions from 5 submitters: Benign (1); Likely benign (4). Last evaluated 2025-12-15.

Conditions:
Familial thoracic aortic aneurysm and aortic dissection (TAAD). Also called: Thoracic aortic aneurysms and dissections. Identifiers: Orphanet 91387, MedGen C4707243, MONDO:0019625.
Aortic aneurysm, familial thoracic 4 (AAT4). Also called: AORTIC ANEURYSM/AORTIC DISSECTION AND PATENT DUCTUS ARTERIOSUS. Identifiers: MedGen C1851504, MONDO:0007568, OMIM 132900.

Allele frequency attached by ClinVar (database versions not stated): gnomAD 0.00001; TOPMed 0.00001; gnomAD exomes 0.00002 and 0.00005; ExAC 0.00011.
gnomAD v4.1: 27 of 1,613,956 alleles (0.0017%); highest among the groups gnomAD compares: East Asian, 0.0045%; no homozygotes.

Submissions (5):

Labcorp Genetics (formerly Invitae), Labcorp
Classification: Likely benign for Aortic aneurysm, familial thoracic 4. Last evaluated: 2025-12-15. Review status: criteria provided, single submitter. Criteria: Invitae Variant Classification Sherloc (09022015). Collection method: clinical testing. Allele origin: germline.

All of Us Research Program, National Institutes of Health
Classification: Likely benign for Familial thoracic aortic aneurysm and aortic dissection. Last evaluated: 2023-12-01. Review status: criteria provided, single submitter. Criteria: ACMG Guidelines, 2015. Collection method: clinical testing. Allele origin: germline. Inheritance: Autosomal dominant inheritance. Observed: 6 variant alleles, 6 heterozygotes.
Comment: This study involves interpretation of variants in research participants for the purpose of population health screening. Participant phenotype was not available at the time of variant classification. Additional details can be found in publication PMID: 35346344, PMCID: PMC8962531

Women's Health and Genetics/Laboratory Corporation of America, LabCorp
Classification: Benign. Last evaluated: 2023-09-25. Review status: criteria provided, single submitter. Criteria: LabCorp Variant Classification Summary - May 2015. Collection method: clinical testing. Allele origin: germline.

Ambry Genetics
Classification: Likely benign for Familial thoracic aortic aneurysm and aortic dissection. Last evaluated: 2023-01-22. Review status: criteria provided, single submitter. Criteria: Ambry Variant Classification Scheme 2023. Collection method: clinical testing. Allele origin: germline.

Color Diagnostics, LLC DBA Color Health
Classification: Likely benign for Familial thoracic aortic aneurysm and aortic dissection. Last evaluated: 2018-11-25. Review status: criteria provided, single submitter. Criteria: ACMG Guidelines, 2015. Collection method: clinical testing. Allele origin: germline.

NM_002474.3(MYH11):c.5580C>T (p.Asp1860=)

Genes: NDE1 (nudE neurodevelopment protein 1; plus strand), MYH11 (myosin heavy chain 11; minus strand). Cytogenetic location: 16p13.11.
Variant type: single nucleotide variant.
Coding change: c.5580C>T on transcript NM_002474.3 (MANE Select); coding-DNA position 5580, C replaced by T.
Protein change: p.Asp1860=; no amino-acid change (aspartic acid 1860 retained).
Molecular consequence: synonymous variant. On other transcripts: intron variant (2).
Genome position (GRCh38, 1-based): chr16:15,715,197, G>A on the plus strand (C>T on the coding strand, the complement: MYH11 is on the minus strand). VCF-style: chr16-15715197-G-A. GRCh37 (hg19) VCF-style: chr16-15809054-G-A.
Other names: c.5601C>T, p.Asp1867= (NM_001040113.2, NM_001040114.2); c.5580C>T, p.Asp1860= (NM_022844.3); c.948-8994G>A (NM_001143979.2, NM_017668.3).
Identifiers: ClinVar variation 918772 (VCV000918772.14), dbSNP rs750821241, ClinGen allele CA7921217.